The following is an entry in ClinVar:

NM_006059.4(LAMC3):c.1828C>T (p.Gln610Ter)

Genes: LAMC3 (laminin subunit gamma 3; plus strand), LOC126860777 (BRD4-independent group 4 enhancer GRCh37_chr9:133927058-133928257; plus strand). Cytogenetic location: 9q34.12.
Variant type: single nucleotide variant.
Coding change: c.1828C>T on transcript NM_006059.4 (MANE Select); coding-DNA position 1828, C replaced by T.
Protein change: p.Gln610Ter; replaces glutamine 610 with a stop codon.
Molecular consequence: nonsense.
Genome position (GRCh38, 1-based): chr9:131,052,854, C>T. VCF-style: chr9-131052854-C-T. GRCh37 (hg19) VCF-style: chr9-133928241-C-T.
Other names: short protein forms Q610*.
Identifiers: ClinVar variation 1938563 (VCV001938563.5), dbSNP rs746869680, ClinGen allele CA5287238.

ClinVar aggregate classification (germline): Pathogenic (1 of 4 stars; one submission).

Allele frequency attached by ClinVar (database versions not stated): TOPMed below 0.00001; gnomAD exomes 0.00001; ExAC 0.00004.
gnomAD v4.1: 8 of 1,610,968 alleles (0.0005%); highest among the groups gnomAD compares: Non-Finnish European, 0.00068%; no homozygotes.

Submission:

Labcorp Genetics (formerly Invitae), Labcorp
Classification: Pathogenic. Last evaluated: 2025-05-05. Review status: criteria provided, single submitter. Criteria: Invitae Variant Classification Sherloc (09022015). Collection method: clinical testing. Allele origin: germline.
Comment: This sequence change creates a premature translational stop signal (p.Gln610*) in the LAMC3 gene. It is expected to result in an absent or disrupted protein product. Loss-of-function variants in LAMC3 are known to be pathogenic (PMID: 21572413, 26802095). This variant is present in population databases (rs746869680, gnomAD 0.004%). This variant has not been reported in the literature in individuals affected with LAMC3-related conditions. ClinVar contains an entry for this variant (Variation ID: 1938563). For these reasons, this variant has been classified as Pathogenic.

Literature cited by the submitters: PubMed 21572413; PubMed 26802095.